The following is an entry in ClinVar:

ClinVar aggregate classification (germline): Pathogenic (1 of 4 stars; one submission).

Submission:

Labcorp Genetics (formerly Invitae), Labcorp
Classification: Pathogenic. Last evaluated: 2024-11-19. Review status: criteria provided, single submitter. Criteria: Invitae Variant Classification Sherloc (09022015). Collection method: clinical testing. Allele origin: germline.
Comment: This sequence change creates a premature translational stop signal (p.Gln943Hisfs*12) in the TET2 gene. It is expected to result in an absent or disrupted protein product. Loss-of-function variants in TET2 are known to be pathogenic (PMID: 36066697). This variant is not present in population databases (gnomAD no frequency). This variant has not been reported in the literature in individuals affected with TET2-related conditions. For these reasons, this variant has been classified as Pathogenic.

Literature cited by the submitters: PubMed 36066697.

NM_001127208.3(TET2):c.2824_2828dup (p.Gln943fs)

Genes: TET2 (tet methylcytosine dioxygenase 2; plus strand), TET2-AS1 (TET2 antisense RNA 1; minus strand). Cytogenetic location: 4q24.
Variant type: Duplication.
Coding change: c.2824_2828dup on transcript NM_001127208.3 (MANE Select); coding-DNA positions 2824 to 2828, 5 bases duplicated (CCCCA; older notation c.2824_2828dupCCCCA).
Protein change: p.Gln943fs; shifts the reading frame from glutamine 943.
Molecular consequence: frameshift variant.
Genome position (GRCh38, 1-based): chr4:105,236,766-105,236,770, CCCCA duplicated. VCF-style (leftmost placement, unchanged base first): chr4-105236765-T-TCCCCA. GRCh37 (hg19) VCF-style: chr4-106157922-T-TCCCCA.
Other names: c.2824_2828dup, p.Gln943fs (NM_017628.4); short protein forms Q943fs.
Identifiers: ClinVar variation 3725545 (VCV003725545.2).